The following is an entry in ClinVar:

NM_000059.4(BRCA2):c.1783C>A (p.His595Asn)

Gene: BRCA2 (BRCA2 DNA repair associated; plus strand). Cytogenetic location: 13q13.1.
Variant type: single nucleotide variant.
Coding change: c.1783C>A on transcript NM_000059.4 (MANE Select); coding-DNA position 1783, C replaced by A.
Protein change: p.His595Asn; replaces histidine 595 with asparagine.
Molecular consequence: missense variant.
Genome position (GRCh38, 1-based): chr13:32,333,261, C>A. VCF-style: chr13-32333261-C-A. GRCh37 (hg19) VCF-style: chr13-32907398-C-A.
Other names: short protein forms H595N.
Identifiers: ClinVar variation 820068 (VCV000820068.14), dbSNP rs587781906, ClinGen allele CA387765705.
Genomic context (GRCh38, chr13:32,333,261, plus strand): 5'-AAGAATGCAGGTTTAATATCCACTTTGAAAAAGAAAACAAATAAGTTTATTTATGCTATA[C>A]ATGATGAAACATCTTATAAAGGAAAAAAAATACCGAAAGACCAAAAATCAGAACTAATTA-3'
Protein context (NP_000050.3, residues 585-605): KKTNKFIYAI[His595Asn]DETSYKGKKI

ClinVar aggregate classification (germline): Conflicting classifications of pathogenicity. Review status: criteria provided, conflicting classifications (1 of 4 stars). 4 submissions from 4 submitters: Uncertain significance (2); Likely benign (2). Last evaluated 2025-11-24.

Conditions:
Hereditary cancer-predisposing syndrome. Also called: Hereditary Cancer Syndrome; Neoplastic Syndromes, Hereditary; Hereditary neoplastic syndrome; Tumor predisposition. Identifiers: Orphanet 140162, MedGen C0027672, MeSH D009386, MONDO:0015356.
Hereditary breast ovarian cancer syndrome. Also called: Hereditary breast and ovarian cancer syndrome (HBOC); Hereditary breast and ovarian cancer syndrome; Breast and ovarian cancer; Hereditary breast and/or ovarian cancer syndrome; BRCA1- and BRCA2-Associated Hereditary Breast and Ovarian Cancer; Hereditary breast and ovarian cancer. Identifiers: Orphanet 145, MedGen C0677776, MeSH D061325, MONDO:0003582. Disease mechanism: loss of function.
Breast-ovarian cancer, familial, susceptibility to, 2 (BROVCA2). Also called: BRCA2 Hereditary Breast and Ovarian Cancer. Identifiers: Orphanet 145, MedGen C2675520, MONDO:0012933, OMIM 612555. Disease mechanism: loss of function.

Allele frequency attached by ClinVar (database versions not stated): gnomAD 0.00001.
gnomAD v4.1: 1 of 1,607,990 alleles (0.000062%); highest among the groups gnomAD compares: African/African-American, 0.0013%; no homozygotes.

Submissions (4):

Labcorp Genetics (formerly Invitae), Labcorp
Classification: Uncertain significance for Hereditary breast ovarian cancer syndrome. Last evaluated: 2025-11-24. Review status: criteria provided, single submitter. Criteria: Invitae Variant Classification Sherloc (09022015). Collection method: clinical testing. Allele origin: germline.
Comment: This sequence change replaces histidine, which is basic and polar, with asparagine, which is neutral and polar, at codon 595 of the BRCA2 protein (p.His595Asn). This variant is not present in population databases (gnomAD no frequency). This variant has not been reported in the literature in individuals affected with BRCA2-related conditions. ClinVar contains an entry for this variant (Variation ID: 820068). Invitae Evidence Modeling of protein sequence and biophysical properties (such as structural, functional, and spatial information, amino acid conservation, physicochemical variation, residue mobility, and thermodynamic stability) indicates that this missense variant is not expected to disrupt BRCA2 protein function with a negative predictive value of 95%. In summary, the available evidence is currently insufficient to determine the role of this variant in disease. Therefore, it has been classified as a Variant of Uncertain Significance.

All of Us Research Program, National Institutes of Health
Classification: Uncertain significance for Breast-ovarian cancer, familial, susceptibility to, 2. Last evaluated: 2023-08-15. Review status: criteria provided, single submitter. Criteria: ACMG Guidelines, 2015. Collection method: clinical testing. Allele origin: germline. Inheritance: Autosomal dominant inheritance. Observed: 1 variant allele, 1 heterozygote.
Comment: This missense variant replaces histidine with asparagine at codon 595 of the BRCA2 protein. Computational prediction suggests that this variant may not impact protein structure and function (internally defined REVEL score threshold <= 0.5, PMID: 27666373). To our knowledge, functional studies have not been reported for this variant. This variant has not been reported in individuals affected with BRCA2-related disorders in the literature. This variant has not been identified in the general population by the Genome Aggregation Database (gnomAD). The available evidence is insufficient to determine the role of this variant in disease conclusively. Therefore, this variant is classified as a Variant of Uncertain Significance.

This study involves interpretation of variants in research participants for the purpose of population health screening. Participant phenotype was not available at the time of variant classification. Additional details can be found in publication PMID: 35346344, PMCID: PMC8962531

University of Washington Department of Laboratory Medicine, University of Washington
Classification: Likely benign for Hereditary cancer-predisposing syndrome. Last evaluated: 2023-03-23. Review status: criteria provided, single submitter. Criteria: Dines et al. (Genet Med. 2020). Collection method: curation. Allele origin: germline.
Comment: Missense variant in a coldspot region where missense variants are very unlikely to be pathogenic (PMID:31911673).

BRCA2 exon 10 coldspot. Reclassification based on statistical prior probability.

Ambry Genetics
Classification: Likely benign for Hereditary cancer-predisposing syndrome. Last evaluated: 2018-08-13. Review status: criteria provided, single submitter. Criteria: Ambry Variant Classification Scheme 2023. Collection method: clinical testing. Allele origin: germline.